The following is an entry in ClinVar:

NM_000179.3(MSH6):c.3160A>T (p.Ile1054Phe)

Gene: MSH6 (mutS homolog 6; plus strand). Cytogenetic location: 2p16.3.
Variant type: single nucleotide variant.
Coding change: c.3160A>T on transcript NM_000179.3 (MANE Select); coding-DNA position 3160, A replaced by T.
Protein change: p.Ile1054Phe; replaces isoleucine 1054 with phenylalanine.
Molecular consequence: missense variant.
Genome position (GRCh38, 1-based): chr2:47,801,143, A>T. VCF-style: chr2-47801143-A-T. GRCh37 (hg19) VCF-style: chr2-48028282-A-T.
Other names: p.I1054F:ATC>TTC; c.2770A>T, p.Ile924Phe (NM_001281492.2); c.2254A>T, p.Ile752Phe (NM_001281493.2, NM_001281494.2); short protein forms I1054F, I924F, I752F.
Identifiers: ClinVar variation 89341 (VCV000089341.92), dbSNP rs267608075, ClinGen allele CA011675.

ClinVar aggregate classification (germline): Likely benign. Review status: reviewed by expert panel (3 of 4 stars). 24 submissions from 24 submitters: Likely benign (1). 23 of the submissions do not count toward it. Last evaluated 2013-09-05.

Conditions:
MSH6-related disorder. Also called: MSH6-related condition; MSH6-Related disorders.
Hereditary nonpolyposis colorectal neoplasms. Identifiers: MedGen C0009405, MeSH D003123.
Hereditary cancer-predisposing syndrome. Also called: Hereditary Cancer Syndrome; Tumor predisposition; Neoplastic Syndromes, Hereditary; Hereditary neoplastic syndrome. Identifiers: Orphanet 140162, MedGen C0027672, MeSH D009386, MONDO:0015356.
Breast and/or ovarian cancer. Identifiers: MedGen CN221562.
Lynch syndrome. Identifiers: Orphanet 144, MedGen C4552100, MONDO:0005835. Disease mechanism: loss of function.
Lynch syndrome 5 (LYNCH5). Also called: Hereditary non-polyposis colorectal cancer, type 5; Colorectal cancer, hereditary nonpolyposis, type 5. Identifiers: Orphanet 144, MedGen C1833477, MONDO:0013710, OMIM 614350. Disease mechanism: loss of function.
Breast carcinoma. Also called: Carcinoma of breast. Identifiers: MedGen C0678222, MONDO:0004989, HP:0003002.

Allele frequency attached by ClinVar (database versions not stated): TOPMed 0.00011; gnomAD 0.00016; ESP Exome Variant Server 0.00031.
gnomAD v4.1: 176 of 1,610,818 alleles (0.011%); highest among the groups gnomAD compares: Non-Finnish European, 0.0061%; no homozygotes.

Submissions 1 to 18 of 24:

International Society for Gastrointestinal Hereditary Tumours (InSiGHT)
Classification: Likely benign for Lynch Syndrome. Last evaluated: 2013-09-05. Review status: reviewed by expert panel. Criteria: Guidelines v1.9. Collection method: research. Allele origin: germline.
Comment: Multifactorial likelihood analysis posterior probability 0.001-0.049

Classified with v1.9 guidelines

Labcorp Genetics (formerly Invitae), Labcorp
Classification: Benign for Hereditary nonpolyposis colorectal neoplasms. Last evaluated: 2026-01-31. Review status: criteria provided, single submitter. Criteria: Invitae Variant Classification Sherloc (09022015). Collection method: clinical testing. Allele origin: germline. Not counted in ClinVar's aggregate classification.

CeGaT Center for Human Genetics Tuebingen
Classification: Likely benign. Last evaluated: 2025-10-01. Review status: criteria provided, single submitter. Criteria: CeGaT Center For Human Genetics Tuebingen Variant Classification Criteria Version 2. Collection method: clinical testing. Allele origin: germline. Affected: yes. Observed: 6 variant alleles. Not counted in ClinVar's aggregate classification.
Comment: MSH6: BS3:Supporting

Center for Genomic Medicine, Rigshospitalet, Copenhagen University Hospital
Classification: Likely benign. Last evaluated: 2025-03-04. Review status: criteria provided, single submitter. Criteria: ACMG Guidelines, 2015. Collection method: clinical testing. Allele origin: germline. Not counted in ClinVar's aggregate classification.

Laboratory of Genetics, Children's Clinical University Hospital Latvia
Classification: Likely benign. Last evaluated: 2025-02-16. Review status: criteria provided, single submitter. Criteria: ACMG Guidelines, 2015. Collection method: clinical testing. Allele origin: germline. Affected: yes. Not counted in ClinVar's aggregate classification.

Molecular Diagnostics Laboratory, Catalan Institute of Oncology
Classification: Likely benign for Hereditary cancer-predisposing syndrome. Last evaluated: 2025-02-03. Review status: criteria provided, single submitter. Criteria: MMR VCEP Paper Draft V3.1. Collection method: clinical testing. Allele origin: germline. Not counted in ClinVar's aggregate classification.
Comment: BS3, BP4 c.3160A>T, located in exon 4 of the MSH6 gene, is predicted to result in the substitution of isoleucine by phenylalanine at codon 1054, p.(Ile1054Phe). This variant is found in 48/263252 alleles at a frequency of 0.0182% in the gnomAD v2.1.1 database, non-cancer dataset. Computational tools for this variant suggests no significant impact on splicing and does not affect the protein function (MAPP+PolyPhen-2 prior probability for pathogenicity: 0.0027) (BP4). MSH6 c.3160A>T has been reported in a CIMRA assay with functional Odds for Pathogenicity 0.039 (≤ 0.05) (PMID: 31965077) (BS3). Also, it has been reported in one CRC MSS tumor with no loss of MMR protein expression (PMID: 18301448). In addition, the variant was also identified in the following databases: InSiGHT (Class 2: likely not pathogenic ), ClinVar (3x benign, 14x likely benign, 2x uncertain significance), LOVD (2x likely benign, 3x uncertain significance). Based on the currently available information, c.3160A>T is classified as a likely benign variant according to ClinGen-MMR Guidelines Draft version v3.1.

Quest Diagnostics Nichols Institute San Juan Capistrano
Classification: Likely benign. Last evaluated: 2025-01-18. Review status: criteria provided, single submitter. Criteria: Quest Diagnostics criteria. Collection method: clinical testing. Allele origin: unknown. Not counted in ClinVar's aggregate classification.

Myriad Genetics, Inc.
Classification: Benign for Lynch syndrome 5. Last evaluated: 2025-01-03. Review status: criteria provided, single submitter. Criteria: Myriad Autosomal Dominant, Autosomal Recessive and X-Linked Classification Criteria (2023). Collection method: clinical testing. Allele origin: unknown. Not counted in ClinVar's aggregate classification.
Comment: This variant is considered benign. This variant has been observed at a population frequency that is significantly greater than expected given the associated disease prevalence and penetrance.

Blueprint Genetics
Classification: Likely benign. Last evaluated: 2024-11-14. Review status: criteria provided, single submitter. Criteria: ACMG Guidelines, 2015. Collection method: clinical testing. Allele origin: germline. Not counted in ClinVar's aggregate classification.

Color Diagnostics, LLC DBA Color Health
Classification: Likely benign for Hereditary cancer-predisposing syndrome. Last evaluated: 2024-10-02. Review status: criteria provided, single submitter. Criteria: ACMG Guidelines, 2015. Collection method: clinical testing. Allele origin: germline. Not counted in ClinVar's aggregate classification.

ARUP Laboratories, Molecular Genetics and Genomics, ARUP Laboratories
Classification: Likely benign. Last evaluated: 2024-08-08. Review status: criteria provided, single submitter. Criteria: ARUP Molecular Germline Variant Investigation Process 2024. Collection method: clinical testing. Allele origin: germline. Not counted in ClinVar's aggregate classification.

Institute for Biomarker Research, Medical Diagnostic Laboratories, L.L.C.
Classification: Likely benign for Hereditary cancer-predisposing syndrome. Last evaluated: 2023-10-17. Review status: criteria provided, single submitter. Criteria: ACMG Guidelines, 2015. Collection method: clinical testing. Allele origin: germline. Not counted in ClinVar's aggregate classification.

CHEO Genetics Diagnostic Laboratory, Children's Hospital of Eastern Ontario
Classification: Likely benign for Breast and/or ovarian cancer. Last evaluated: 2021-08-03. Review status: criteria provided, single submitter. Criteria: ACMG Guidelines, 2015. Collection method: clinical testing. Allele origin: germline. Not counted in ClinVar's aggregate classification.

Women's Health and Genetics/Laboratory Corporation of America, LabCorp
Classification: Benign. Last evaluated: 2021-07-16. Review status: criteria provided, single submitter. Criteria: LabCorp Variant Classification Summary - May 2015. Collection method: clinical testing. Allele origin: germline. Not counted in ClinVar's aggregate classification.
Comment: Variant summary: MSH6 c.3160A>T (p.Ile1054Phe) results in a non-conservative amino acid change located in the core domain (IPR007696) of the encoded protein sequence. Three of five in-silico tools predict a benign effect of the variant on protein function. The variant allele was found at a frequency of 0.00016 in 246296 control chromosomes (gnomAD). The observed variant frequency is slightly higher than the estimated maximal expected allele frequency for a pathogenic variant in MSH6 causing Hereditary Nonpolyposis Colorectal Cancer phenotype (0.00014), suggesting that the variant can be benign. c.3160A>T has been reported in the literature in an individual affected with colon cancer (Steinke_2008), however, the microsatellite status was stable in the associated tumor, and the MSH6 protein expression was preserved. The variant was reported in individuals with other tumor phenotypes (e.g. Pal_2012, Grant_2014, Dorling_2021), but was also found in several controls (Dorling_2021). At least one publication reported experimental evidence evaluating an impact on protein function, and demonstrated that the relative repair efficiency of the p.I1054F variant protein was similar to the wild-type (Drost_2020). In addition, a recent multifactorial likelihood analysis that included allele frequency, co-occurrence, co-segregation, clinical and family history information as well as tumor characteristics, predicted this variant to be benign (Li_2020). Ten other clinical diagnostic laboratories have submitted clinical-significance assessments for this variant to ClinVar after 2014 without evidence for independent evaluation, and classified the variant as benign (n=2), likely benign (n=7) or VUS (n=1). Based on the evidence outlined above, the variant was classified as benign.

Sema4
Classification: Likely benign for Hereditary cancer-predisposing syndrome. Last evaluated: 2020-10-30. Review status: criteria provided, single submitter. Criteria: Sema4 Curation Guidelines. Collection method: curation. Allele origin: germline. Not counted in ClinVar's aggregate classification.

GeneDx
Classification: Likely benign. Last evaluated: 2020-09-08. Review status: criteria provided, single submitter. Criteria: GeneDx Variant Classification Process June 2021. Collection method: clinical testing. Allele origin: germline. Affected: yes. Not counted in ClinVar's aggregate classification.
Comment: This variant is associated with the following publications: (PMID: 23621914, 22645183, 22290698, 18301448, 23047549, 25479140)

Mendelics
Classification: Likely benign for Lynch syndrome 5. Last evaluated: 2019-05-28. Review status: criteria provided, single submitter. Criteria: Mendelics Assertion Criteria 2017. Collection method: clinical testing. Allele origin: unknown. Not counted in ClinVar's aggregate classification.

Genetic Services Laboratory, University of Chicago
Classification: Uncertain significance. Last evaluated: 2019-01-28. Review status: criteria provided, single submitter. Criteria: ACMG Guidelines, 2015. Collection method: clinical testing. Allele origin: germline. Affected: no. Not counted in ClinVar's aggregate classification.